The following is an entry in ClinVar:

NM_000135.4(FANCA):c.769G>T (p.Val257Leu)

Gene: FANCA (FA complementation group A; minus strand). Cytogenetic location: 16q24.3.
Variant type: single nucleotide variant.
Coding change: c.769G>T on transcript NM_000135.4 (MANE Select); coding-DNA position 769, G replaced by T.
Protein change: p.Val257Leu; replaces valine 257 with leucine.
Molecular consequence: missense variant.
Genome position (GRCh38, 1-based): chr16:89,803,282, C>A on the plus strand (G>T on the coding strand, the complement: FANCA is on the minus strand). VCF-style: chr16-89803282-C-A. GRCh37 (hg19) VCF-style: chr16-89869690-C-A.
Other names: c.769G>T, p.Val257Leu (NM_001018112.3, NM_001286167.3); c.673G>T, p.Val225Leu (NM_001351830.2); c.769G>T (NM_000135.2); short protein forms V225L, V257L.
Identifiers: ClinVar variation 1038619 (VCV001038619.5), dbSNP rs777311234, ClinGen allele CA8252815.

ClinVar aggregate classification (germline): Uncertain significance. Review status: criteria provided, multiple submitters, no conflicts (2 of 4 stars). 2 submissions from 2 submitters: Uncertain significance (2). Last evaluated 2025-01-03.

Conditions:
Inborn genetic diseases. Identifiers: MedGen C0950123, MeSH D030342.
Fanconi anemia (FA). Also called: Fanconi's anemia. Identifiers: Orphanet 84, MedGen C0015625, MeSH D005199, MONDO:0019391.

Allele frequency attached by ClinVar (database versions not stated): ExAC 0.00001.

Submissions (2):

Ambry Genetics
Classification: Uncertain significance for Inborn genetic diseases. Last evaluated: 2025-01-03. Review status: criteria provided, single submitter. Criteria: Ambry Variant Classification Scheme 2023. Collection method: clinical testing. Allele origin: germline.
Comment: The p.V257L variant (also known as c.769G>T), located in coding exon 8 of the FANCA gene, results from a G to T substitution at nucleotide position 769. The valine at codon 257 is replaced by leucine, an amino acid with highly similar properties. This amino acid position is conserved. In addition, this alteration is predicted to be tolerated by in silico analysis. Based on the available evidence, the clinical significance of this variant remains unclear.

Labcorp Genetics (formerly Invitae), Labcorp
Classification: Uncertain significance for Fanconi anemia. Last evaluated: 2021-10-08. Review status: criteria provided, single submitter. Criteria: Invitae Variant Classification Sherloc (09022015). Collection method: clinical testing. Allele origin: germline.
Comment: This sequence change replaces valine with leucine at codon 257 of the FANCA protein (p.Val257Leu). The valine residue is weakly conserved and there is a small physicochemical difference between valine and leucine. This variant is present in population databases (rs777311234, ExAC 0.001%). This variant has not been reported in the literature in individuals affected with FANCA-related conditions. Advanced modeling of protein sequence and biophysical properties (such as structural, functional, and spatial information, amino acid conservation, physicochemical variation, residue mobility, and thermodynamic stability) performed at Invitae indicates that this missense variant is not expected to disrupt FANCA protein function. In summary, the available evidence is currently insufficient to determine the role of this variant in disease. Therefore, it has been classified as a Variant of Uncertain Significance.